The following is an entry in ClinVar:

NM_016507.4(CDK12):c.695A>C (p.Lys232Thr)

Genes: CDK12 (cyclin dependent kinase 12; plus strand), LOC126862553 (CDK7 strongly-dependent group 2 enhancer GRCh37_chr17:37618166-37619365; plus strand). Cytogenetic location: 17q12.
Variant type: single nucleotide variant.
Coding change: c.695A>C on transcript NM_016507.4 (MANE Select); coding-DNA position 695, A replaced by C.
Protein change: p.Lys232Thr; replaces lysine 232 with threonine.
Molecular consequence: missense variant.
Genome position (GRCh38, 1-based): chr17:39,462,766, A>C. VCF-style: chr17-39462766-A-C. GRCh37 (hg19) VCF-style: chr17-37619019-A-C.
Other names: c.695A>C, p.Lys232Thr (NM_015083.4); short protein forms K232T.
Identifiers: ClinVar variation 3830400 (VCV003830400.1).

ClinVar aggregate classification (germline): Uncertain significance (1 of 4 stars; one submission).

Submission:

Ambry Genetics
Classification: Uncertain significance. Last evaluated: 2024-12-22. Review status: criteria provided, single submitter. Criteria: Ambry Variant Classification Scheme 2023. Collection method: clinical testing. Allele origin: germline.
Comment: The p.K232T variant (also known as c.695A>C), located in coding exon 1 of the CDK12 gene, results from an A to C substitution at nucleotide position 695. The lysine at codon 232 is replaced by threonine, an amino acid with similar properties. This amino acid position is conserved. In addition, this alteration is predicted to be tolerated by in silico analysis. Based on the available evidence, the clinical significance of this variant remains unclear.